The following is an entry in ClinVar:

ClinVar aggregate classification (germline): Benign. Review status: criteria provided, multiple submitters, no conflicts (2 of 4 stars). 5 submissions from 5 submitters: Benign (5). Last evaluated 2026-02-03.

Conditions:
Combined oxidative phosphorylation deficiency 28 (COXPD28). Identifiers: Orphanet 466784, MedGen C5569081, MONDO:0014775, OMIM 616794.

Allele frequency attached by ClinVar (database versions not stated): gnomAD exomes 0.41488 and 0.47679; ExAC 0.51694; ESP Exome Variant Server 0.54062; gnomAD 0.54714 and 0.54871; TOPMed 0.56709; 1000 Genomes Project 0.65375; 1000 Genomes Project 30x 0.65771.
gnomAD v4.1: 602,290 of 1,398,302 alleles (43%); highest among the groups gnomAD compares: African/African-American, 79%; 139,094 homozygotes.

Submissions (5):

Labcorp Genetics (formerly Invitae), Labcorp
Classification: Benign. Last evaluated: 2026-02-03. Review status: criteria provided, single submitter. Criteria: Invitae Variant Classification Sherloc (09022015). Collection method: clinical testing. Allele origin: germline.

Blueprint Genetics
Classification: Benign. Last evaluated: 2024-11-26. Review status: criteria provided, single submitter. Criteria: ACMG Guidelines, 2015. Collection method: clinical testing. Allele origin: germline.

Genome-Nilou Lab
Classification: Benign for Combined oxidative phosphorylation deficiency 28. Last evaluated: 2021-07-15. Review status: criteria provided, single submitter. Criteria: ACMG Guidelines, 2015. Collection method: clinical testing. Allele origin: germline. Affected: no.

GeneDx
Classification: Benign. Last evaluated: 2018-06-14. Review status: criteria provided, single submitter. Criteria: GeneDx Variant Classification (06012015). Collection method: clinical testing. Allele origin: germline. Affected: yes.
Comment: This variant is considered likely benign or benign based on one or more of the following criteria: it is a conservative change, it occurs at a poorly conserved position in the protein, it is predicted to be benign by multiple in silico algorithms, and/or has population frequency not consistent with disease.

Breakthrough Genomics
Classification: Benign. Review status: criteria provided, single submitter. Criteria: ACMG Guidelines, 2015. Collection method: not provided. Allele origin: germline. Inheritance: Autosomal recessive inheritance. Affected: yes.

NM_001379210.1(SLC25A26):c.498+13G>A

Gene: SLC25A26 (solute carrier family 25 member 26; plus strand). Cytogenetic location: 3p14.1.
Variant type: single nucleotide variant.
Coding change: c.498+13G>A on transcript NM_001379210.1 (MANE Select); 13 bases into the intron after coding-DNA position 498, G replaced by A.
Molecular consequence: intron variant.
Genome position (GRCh38, 1-based): chr3:66,346,421, G>A. VCF-style: chr3-66346421-G-A. GRCh37 (hg19) VCF-style: chr3-66396845-G-A.
Other names: c.498+13G>A (NM_173471.4); c.234+13G>A (NM_001350993.1, NM_001164796.1).
Identifiers: ClinVar variation 683906 (VCV000683906.14), dbSNP rs332354, ClinGen allele CA2483746.